The following is an entry in ClinVar:

NM_022124.6(CDH23):c.6050-1G>A

Gene: CDH23 (cadherin related 23; plus strand). Cytogenetic location: 10q22.1.
Variant type: single nucleotide variant.
Coding change: c.6050-1G>A on transcript NM_022124.6 (MANE Select); the canonical splice acceptor site of the intron before coding-DNA position 6050, G replaced by A.
Molecular consequence: splice acceptor variant.
Genome position (GRCh38, 1-based): chr10:71,791,131, G>A. VCF-style: chr10-71791131-G-A. GRCh37 (hg19) VCF-style: chr10-73550888-G-A.
Identifiers: ClinVar variation 866900 (VCV000866900.12), dbSNP rs762805265, ClinGen allele CA377151936.

ClinVar aggregate classification (germline): Pathogenic/Likely pathogenic. Review status: criteria provided, multiple submitters, no conflicts (2 of 4 stars). 4 submissions from 4 submitters: Pathogenic (2); Likely pathogenic (2). Last evaluated 2025-01-27.

Conditions:
Pituitary adenoma 5, multiple types. Identifiers: MedGen C4539685, MONDO:0054601, OMIM 617540.
CDH23-related disorder. Also called: CDH23-related condition; CDH23-related disorders.
Usher syndrome type 1 (USH1). Also called: RETINITIS PIGMENTOSA AND CONGENITAL DEAFNESS. Identifiers: Orphanet 231169, Orphanet 886, MedGen C1568247, MONDO:0010168, OMIM 276900.

gnomAD v4.1: 1 of 1,604,248 alleles (0.000062%); highest among the groups gnomAD compares: Non-Finnish European, 0.000085%; no homozygotes.

Submissions (4):

Natera, Inc.
Classification: Likely pathogenic for Usher syndrome type 1. Last evaluated: 2025-01-27. Review status: criteria provided, single submitter. Criteria: Natera Variant Classification Schema (03/2026). Collection method: clinical testing. Allele origin: germline.
Comment: The c.6050-1G>A variant in CDH23 is a canonical splice acceptor site variant predicted to affect pre-mRNA splicing, which may result in an abnormal transcript and altered protein product. This variant is expected to result in nonsense mediated decay, truncation, or a dysfunctional protein product. This variant is rare in the general population with a frequency below the threshold expected for the associated phenotype(s). Given the available evidence, this variant is classified as Likely Pathogenic.

Baylor Genetics
Classification: Likely pathogenic for Pituitary adenoma 5, multiple types. Last evaluated: 2023-03-03. Review status: criteria provided, single submitter. Criteria: ACMG Guidelines, 2015. Collection method: clinical testing. Allele origin: unknown.

Labcorp Genetics (formerly Invitae), Labcorp
Classification: Pathogenic. Last evaluated: 2023-02-22. Review status: criteria provided, single submitter. Criteria: Invitae Variant Classification Sherloc (09022015). Collection method: clinical testing. Allele origin: germline.
Comment: For these reasons, this variant has been classified as Pathogenic. Algorithms developed to predict the effect of sequence changes on RNA splicing suggest that this variant may disrupt the consensus splice site. ClinVar contains an entry for this variant (Variation ID: 866900). This sequence change affects an acceptor splice site in intron 46 of the CDH23 gene. It is expected to disrupt RNA splicing. Variants that disrupt the donor or acceptor splice site typically lead to a loss of protein function (PMID: 16199547), and loss-of-function variants in CDH23 are known to be pathogenic (PMID: 11138009, 21940737). This variant is not present in population databases (gnomAD no frequency). Disruption of this splice site has been observed in individuals with clinical features of Usher syndrome (PMID: 21940737; Invitae).

Blueprint Genetics
Classification: Pathogenic for CDH23-related disorders. Last evaluated: 2019-09-11. Review status: criteria provided, single submitter. Criteria: ACMG Guidelines, 2015. Collection method: clinical testing. Allele origin: germline. Affected: yes. Observed: 2 variant alleles.

Literature cited by the submitters: PubMed 16199547 (cited by Labcorp Genetics (formerly Invitae), Labcorp); PubMed 11138009 (cited by Labcorp Genetics (formerly Invitae), Labcorp); PubMed 21940737 (cited by Labcorp Genetics (formerly Invitae), Labcorp).